The following is an entry in ClinVar:

NM_004064.5(CDKN1B):c.523T>G (p.Ser175Ala)

Gene: CDKN1B (cyclin dependent kinase inhibitor 1B; plus strand). Cytogenetic location: 12p13.1.
Variant type: single nucleotide variant.
Coding change: c.523T>G on transcript NM_004064.5 (MANE Select); coding-DNA position 523, T replaced by G.
Protein change: p.Ser175Ala; replaces serine 175 with alanine.
Molecular consequence: missense variant.
Genome position (GRCh38, 1-based): chr12:12,718,872, T>G. VCF-style: chr12-12718872-T-G. GRCh37 (hg19) VCF-style: chr12-12871806-T-G.
Other names: short protein forms S175A.
Identifiers: ClinVar variation 3659814 (VCV003659814.2).
Genomic context (GRCh38, chr12:12,718,872, plus strand): 5'-CCCCTGCGCTTAGATTCTTCTACTCAAAACAAAAGAGCCAACAGAACAGAAGAAAATGTT[T>G]CAGACGGTTCCCCAAATGCCGGTTCTGTGGAGCAGACGCCCAAGAAGCCTGGCCTCAGAA-3'
Protein context (NP_004055.1, residues 165-185): KRANRTEENV[Ser175Ala]DGSPNAGSVE

ClinVar aggregate classification (germline): Uncertain significance (1 of 4 stars; one submission).

Conditions:
Multiple endocrine neoplasia type 4. Also called: MULTIPLE ENDOCRINE NEOPLASIA, TYPE IV. Identifiers: Orphanet 276152, MedGen C1970712, MONDO:0012552, OMIM 610755.

Submission:

Labcorp Genetics (formerly Invitae), Labcorp
Classification: Uncertain significance for Multiple endocrine neoplasia type 4. Last evaluated: 2024-07-18. Review status: criteria provided, single submitter. Criteria: Invitae Variant Classification Sherloc (09022015). Collection method: clinical testing. Allele origin: germline.
Comment: This sequence change replaces serine, which is neutral and polar, with alanine, which is neutral and non-polar, at codon 175 of the CDKN1B protein (p.Ser175Ala). This variant is not present in population databases (gnomAD no frequency). This variant has not been reported in the literature in individuals affected with CDKN1B-related conditions. An algorithm developed to predict the effect of missense changes on protein structure and function (PolyPhen-2) suggests that this variant is likely to be tolerated. In summary, the available evidence is currently insufficient to determine the role of this variant in disease. Therefore, it has been classified as a Variant of Uncertain Significance.